The following is an entry in ClinVar:

NM_001134831.2(AHI1):c.2003A>G (p.Tyr668Cys)

Gene: AHI1 (Abelson helper integration site 1; minus strand). Cytogenetic location: 6q23.3.
Variant type: single nucleotide variant.
Coding change: c.2003A>G on transcript NM_001134831.2 (MANE Select); coding-DNA position 2003, A replaced by G.
Protein change: p.Tyr668Cys; replaces tyrosine 668 with cysteine.
Molecular consequence: missense variant.
Genome position (GRCh38, 1-based): chr6:135,438,408, T>C on the plus strand (A>G on the coding strand, the complement: AHI1 is on the minus strand). VCF-style: chr6-135438408-T-C. GRCh37 (hg19) VCF-style: chr6-135759546-T-C.
Other names: c.2003A>G, p.Tyr668Cys (NM_001134830.2, NM_001134832.2, NM_001350503.2 and 2 more transcripts); short protein forms Y668C.
Identifiers: ClinVar variation 1479668 (VCV001479668.5), dbSNP rs1785741670, ClinGen allele CA365744192.

ClinVar aggregate classification (germline): Uncertain significance (1 of 4 stars; one submission).

Conditions:
Joubert syndrome. Also called: CEREBELLOPARENCHYMAL DISORDER IV; JOUBERT-BOLTSHAUSER SYNDROME; Familial aplasia of the vermis. Identifiers: Orphanet 475, MedGen C5979921, MONDO:0018772.

Allele frequency attached by ClinVar (database versions not stated): TOPMed below 0.00001.

Submission:

Labcorp Genetics (formerly Invitae), Labcorp
Classification: Uncertain significance for Joubert syndrome. Last evaluated: 2021-12-22. Review status: criteria provided, single submitter. Criteria: Invitae Variant Classification Sherloc (09022015). Collection method: clinical testing. Allele origin: germline.
Comment: This sequence change replaces tyrosine, which is neutral and polar, with cysteine, which is neutral and slightly polar, at codon 668 of the AHI1 protein (p.Tyr668Cys). This variant is not present in population databases (gnomAD no frequency). This variant has not been reported in the literature in individuals affected with AHI1-related conditions. Advanced modeling of protein sequence and biophysical properties (such as structural, functional, and spatial information, amino acid conservation, physicochemical variation, residue mobility, and thermodynamic stability) performed at Invitae indicates that this missense variant is not expected to disrupt AHI1 protein function. In summary, the available evidence is currently insufficient to determine the role of this variant in disease. Therefore, it has been classified as a Variant of Uncertain Significance.